The following is an entry in ClinVar:

NM_001352514.2(HLCS):c.2450+136C>T

Gene: HLCS (holocarboxylase synthetase; minus strand). Cytogenetic location: 21q22.13.
Variant type: single nucleotide variant.
Coding change: c.2450+136C>T on transcript NM_001352514.2 (MANE Select); 136 bases into the intron after coding-DNA position 2450, C replaced by T.
Molecular consequence: intron variant.
Genome position (GRCh38, 1-based): chr21:36,756,406, G>A on the plus strand (C>T on the coding strand, the complement: HLCS is on the minus strand). VCF-style: chr21-36756406-G-A. GRCh37 (hg19) VCF-style: chr21-38128707-G-A.
Other names: c.2009+136C>T (NM_001352517.1, NM_001242785.2, NM_001352515.2 and 4 more transcripts).
Identifiers: ClinVar variation 676139 (VCV000676139.5), dbSNP rs9977769, ClinGen allele CA14861040.

ClinVar aggregate classification (germline): Benign. Review status: criteria provided, multiple submitters, no conflicts (2 of 4 stars). 3 submissions from 3 submitters: Benign (3). Last evaluated 2021-06-10.

Conditions:
Holocarboxylase synthetase deficiency. Also called: MULTIPLE CARBOXYLASE DEFICIENCY, EARLY ONSET. Identifiers: Orphanet 79242, MedGen C0268581, MONDO:0009666, OMIM 253270.

Allele frequency attached by ClinVar (database versions not stated): gnomAD exomes 0.51899; 1000 Genomes Project 30x 0.55715; TOPMed 0.55789; 1000 Genomes Project 0.55931.
gnomAD v4.1: 319,889 of 603,788 alleles (53%); highest among the groups gnomAD compares: South Asian, 66%; 89,896 homozygotes.

Submissions (3):

Genome-Nilou Lab
Classification: Benign for Holocarboxylase synthetase deficiency. Last evaluated: 2021-06-10. Review status: criteria provided, single submitter. Criteria: ACMG Guidelines, 2015. Collection method: clinical testing. Allele origin: germline. Affected: no.

GeneDx
Classification: Benign. Last evaluated: 2018-06-14. Review status: criteria provided, single submitter. Criteria: GeneDx Variant Classification (06012015). Collection method: clinical testing. Allele origin: germline. Affected: yes.
Comment: This variant is considered likely benign or benign based on one or more of the following criteria: it is a conservative change, it occurs at a poorly conserved position in the protein, it is predicted to be benign by multiple in silico algorithms, and/or has population frequency not consistent with disease.

Breakthrough Genomics
Classification: Benign. Review status: criteria provided, single submitter. Criteria: ACMG Guidelines, 2015. Collection method: not provided. Allele origin: germline. Inheritance: Autosomal recessive inheritance. Affected: yes.